The following is an entry in ClinVar:

ClinVar aggregate classification (germline): Uncertain significance. Review status: criteria provided, multiple submitters, no conflicts (2 of 4 stars). 2 submissions from 2 submitters: Uncertain significance (2). Last evaluated 2026-09-14.

Conditions:
Fraser syndrome 1 (FRASRS1). Also called: CRYPTOPHTHALMOS WITH OTHER MALFORMATIONS. Identifiers: Orphanet 2052, MedGen C4551480, MONDO:0054737, OMIM 219000.
FRAS1-related disorder. Also called: FRAS1-related condition.

gnomAD v4.1: 5 of 1,612,488 alleles (0.00031%); highest among the groups gnomAD compares: Non-Finnish European, 0.00034%; no homozygotes.

Submissions (2):

PreventionGenetics, part of Exact Sciences
Classification: Uncertain significance for FRAS1-related condition. Last evaluated: 2026-09-14. Review status: criteria provided, single submitter. Criteria: ACMG Guidelines, 2015. Collection method: clinical testing. Allele origin: germline.
Comment: The FRAS1 c.2188A>G variant is predicted to result in the amino acid substitution p.Thr730Ala. To our knowledge, this variant has not been reported in the literature. This variant is reported in 0.00089% of alleles in individuals of European (Non-Finnish) descent in gnomAD. At this time, the clinical significance of this variant is uncertain due to the absence of conclusive functional and genetic evidence.

Fulgent Genetics
Classification: Uncertain significance for Fraser syndrome 1. Last evaluated: 2024-05-14. Review status: criteria provided, single submitter. Criteria: ACMG Guidelines, 2015. Collection method: clinical testing. Allele origin: germline.

NM_025074.7(FRAS1):c.2188A>G (p.Thr730Ala)

Gene: FRAS1 (Fraser extracellular matrix complex subunit 1; plus strand). Cytogenetic location: 4q21.21.
Variant type: single nucleotide variant.
Coding change: c.2188A>G on transcript NM_025074.7 (MANE Select); coding-DNA position 2188, A replaced by G.
Protein change: p.Thr730Ala; replaces threonine 730 with alanine.
Molecular consequence: missense variant.
Genome position (GRCh38, 1-based): chr4:78,333,322, A>G. VCF-style: chr4-78333322-A-G. GRCh37 (hg19) VCF-style: chr4-79254476-A-G.
Other names: c.2188A>G (NM_025074.6); c.2188A>G, p.Thr730Ala (NM_001166133.2); short protein forms T730A.
Identifiers: ClinVar variation 3590941 (VCV003590941.2).
Genomic context (GRCh38, chr4:78,333,322, plus strand): 5'-TTTCCCCCAGCTTGCCACCAGTCCTGTTTCAGATGTGCAGGGAAAAGCCCACATAACTGC[A>G]CAGACTGTGGGCCTTCCCATGTGCTGTTGGATGGGCAGTGCCTCTCCCAGTGCCCAGATG-3'
Protein context (NP_079350.5, residues 720-740): RCAGKSPHNC[Thr730Ala]DCGPSHVLLD